The following is an entry in ClinVar:

ClinVar aggregate classification (germline): Uncertain significance (1 of 4 stars; one submission).

Conditions:
Marfan syndrome (MFS). Also called: MARFAN SYNDROME, TYPE I; Marfan syndrome type 1; Marfan's syndrome; Marfan syndrome, classic; FBN1-Related Marfan Syndrome. Identifiers: Orphanet 284963, Orphanet 558, MedGen C0024796, MONDO:0007947, OMIM 154700.
Familial thoracic aortic aneurysm and aortic dissection (TAAD). Also called: Thoracic aortic aneurysms and dissections. Identifiers: Orphanet 91387, MedGen C4707243, MONDO:0019625.

Allele frequency attached by ClinVar (database versions not stated): gnomAD 0.00001; gnomAD exomes below 0.00001.
gnomAD v4.1: 2 of 1,614,196 alleles (0.00012%); highest among the groups gnomAD compares: East Asian, 0.0045%; no homozygotes.

Submission:

Labcorp Genetics (formerly Invitae), Labcorp
Classification: Uncertain significance for Marfan syndrome; Familial thoracic aortic aneurysm and aortic dissection. Last evaluated: 2024-01-04. Review status: criteria provided, single submitter. Criteria: Invitae Variant Classification Sherloc (09022015). Collection method: clinical testing. Allele origin: germline.
Comment: This sequence change replaces threonine, which is neutral and polar, with alanine, which is neutral and non-polar, at codon 1132 of the FBN1 protein (p.Thr1132Ala). This variant is not present in population databases (gnomAD no frequency). This variant has not been reported in the literature in individuals affected with FBN1-related conditions. Advanced modeling of protein sequence and biophysical properties (such as structural, functional, and spatial information, amino acid conservation, physicochemical variation, residue mobility, and thermodynamic stability) performed at Invitae indicates that this missense variant is expected to disrupt FBN1 protein function with a positive predictive value of 95%. In summary, the available evidence is currently insufficient to determine the role of this variant in disease. Therefore, it has been classified as a Variant of Uncertain Significance.

NM_000138.5(FBN1):c.3394A>G (p.Thr1132Ala)

Gene: FBN1 (fibrillin 1; minus strand). Cytogenetic location: 15q21.1.
Variant type: single nucleotide variant.
Coding change: c.3394A>G on transcript NM_000138.5 (MANE Select); coding-DNA position 3394, A replaced by G.
Protein change: p.Thr1132Ala; replaces threonine 1132 with alanine.
Molecular consequence: missense variant.
Genome position (GRCh38, 1-based): chr15:48,487,381, T>C on the plus strand (A>G on the coding strand, the complement: FBN1 is on the minus strand). VCF-style: chr15-48487381-T-C. GRCh37 (hg19) VCF-style: chr15-48779578-T-C.
Other names: c.3394A>G, p.Thr1132Ala (NM_001406716.1); short protein forms T1132A.
Identifiers: ClinVar variation 2941933 (VCV002941933.3), dbSNP rs2141293669, ClinGen allele CA392326502.